The following is an entry in ClinVar:

ClinVar aggregate classification (germline): Pathogenic (1 of 4 stars; one submission).

Conditions:
Kabuki syndrome. Also called: Kabuki make-up syndrome; NIIKAWA-KUROKI SYNDROME. Identifiers: Orphanet 2322, MedGen C0796004, MONDO:0016512.

Submission:

Labcorp Genetics (formerly Invitae), Labcorp
Classification: Pathogenic for Kabuki syndrome. Last evaluated: 2021-07-02. Review status: criteria provided, single submitter. Criteria: Invitae Variant Classification Sherloc (09022015). Collection method: clinical testing. Allele origin: germline.
Comment: This sequence change creates a premature translational stop signal (p.Glu2339Glyfs*36) in the KMT2D gene. It is expected to result in an absent or disrupted protein product. Loss-of-function variants in KMT2D are known to be pathogenic (PMID: 22126750). This variant is not present in population databases (ExAC no frequency). This variant has not been reported in the literature in individuals affected with KMT2D-related conditions. Algorithms developed to predict the effect of sequence changes on RNA splicing suggest that this variant may create or strengthen a splice site. For these reasons, this variant has been classified as Pathogenic.

Literature cited by the submitters: PubMed 22126750.

NM_003482.4(KMT2D):c.7016_7043del (p.Glu2339fs)

Gene: KMT2D (lysine methyltransferase 2D; minus strand). Cytogenetic location: 12q13.12.
Variant type: Deletion.
Coding change: c.7016_7043del on transcript NM_003482.4 (MANE Select); coding-DNA positions 7016 to 7043, 28 bases deleted (AGCCCCAGAGCCCGGGCTTGGGCCTAAG).
Protein change: p.Glu2339fs; shifts the reading frame from glutamic acid 2339.
Molecular consequence: frameshift variant.
Genome position (GRCh38, 1-based): chr12:49,040,727-49,040,754, CTTAGGCCCAAGCCCGGGCTCTGGGGCT deleted on the plus strand (AGCCCCAGAGCCCGGGCTTGGGCCTAAG on the coding strand, the reverse complement: KMT2D is on the minus strand); deleting any 28 consecutive bases within chr12:49,040,727-49,040,756 gives the same sequence; the c. name uses the placement nearest the transcript's 3' end. VCF-style (leftmost placement, unchanged base first): chr12-49040726-CCTTAGGCCCAAGCCCGGGCTCTGGGGCT-C. GRCh37 (hg19) VCF-style: chr12-49434509-CCTTAGGCCCAAGCCCGGGCTCTGGGGCT-C.
Other names: short protein forms E2339fs.
Identifiers: ClinVar variation 1453335 (VCV001453335.6), dbSNP rs2120533487, ClinGen allele CA2573148678.
Genomic context (GRCh38, chr12:49,040,726, plus strand): 5'-GATGTCTGGGTGACTTGGAGGAGAAGGTGCCAAAGCCTGGGCAGGGGGTGGCTCCTGGGG[CCTTAGGCCCAAGCCCGGGCTCTGGGGCT>C]CTACCTGAGATGCCCGAGGGGTCAGGGGGGCTTTGAAGACATCAGGTGTCTTTAACTCCA-3'